The following is an entry in ClinVar:

ClinVar aggregate classification (germline): Benign/Likely benign. Review status: criteria provided, multiple submitters, no conflicts (2 of 4 stars). 3 submissions from 3 submitters: Benign (2); Likely benign (1). Last evaluated 2026-02-11.

Allele frequency attached by ClinVar (database versions not stated): gnomAD exomes 0.00007 and 0.00023; gnomAD 0.00015 and 0.00017; TOPMed 0.00017; ExAC 0.00026; 1000 Genomes Project 0.00060; 1000 Genomes Project 30x 0.00062.
gnomAD v4.1: 128 of 1,614,052 alleles (0.0079%); highest among the groups gnomAD compares: East Asian, 0.1%; no homozygotes.

Submissions (3):

Women's Health and Genetics/Laboratory Corporation of America, LabCorp
Classification: Benign. Last evaluated: 2026-02-11. Review status: criteria provided, single submitter. Criteria: LabCorp Variant Classification Summary - May 2015. Collection method: clinical testing. Allele origin: germline.
Comment: Variant summary: LAT c.128+8C>T alters a nucleotide located at a position not widely known to affect splicing. Consensus agreement among computation tools predict no significant impact on normal splicing. However, these predictions have yet to be confirmed by functional studies. The variant allele was found at a frequency of 0.00023 in 251250 control chromosomes, predominantly at a frequency of 0.0022 within the East Asian subpopulation in the gnomAD database. The observed variant frequency within East Asian control individuals in the gnomAD database exceeds the estimated maximal expected allele frequency for disease-causing variants in LAT. To our knowledge, no occurrence of c.128+8C>T in individuals affected with LAT-related conditions and no experimental evidence demonstrating its impact on protein function have been reported. ClinVar contains an entry for this variant (Variation ID: 1167557). Based on the evidence outlined above, the variant was classified as benign.

Labcorp Genetics (formerly Invitae), Labcorp
Classification: Benign. Last evaluated: 2025-11-03. Review status: criteria provided, single submitter. Criteria: Invitae Variant Classification Sherloc (09022015). Collection method: clinical testing. Allele origin: germline.

Blueprint Genetics
Classification: Likely benign. Last evaluated: 2024-10-21. Review status: criteria provided, single submitter. Criteria: ACMG Guidelines, 2015. Collection method: clinical testing. Allele origin: germline.

NM_001014987.2(LAT):c.128+8C>T

Gene: LAT (linker for activation of T cells; plus strand). Cytogenetic location: 16p11.2.
Variant type: single nucleotide variant.
Coding change: c.128+8C>T on transcript NM_001014987.2 (MANE Select); 8 bases into the intron after coding-DNA position 128, C replaced by T.
Molecular consequence: intron variant.
Genome position (GRCh38, 1-based): chr16:28,985,748, C>T. VCF-style: chr16-28985748-C-T. GRCh37 (hg19) VCF-style: chr16-28997069-C-T.
Other names: c.236+8C>T (NM_001014989.2); c.128+8C>T (NM_014387.4, NM_001014988.2).
Identifiers: ClinVar variation 1167557 (VCV001167557.11), dbSNP rs564142476, ClinGen allele CA7989835.